The following is an entry in ClinVar:

NM_014956.5(CEP164):c.1152+7C>T

Gene: CEP164 (centrosomal protein 164; plus strand). Cytogenetic location: 11q23.3.
Variant type: single nucleotide variant.
Coding change: c.1152+7C>T on transcript NM_014956.5 (MANE Select); 7 bases into the intron after coding-DNA position 1152, C replaced by T.
Molecular consequence: intron variant.
Genome position (GRCh38, 1-based): chr11:117,371,473, C>T. VCF-style: chr11-117371473-C-T. GRCh37 (hg19) VCF-style: chr11-117242189-C-T.
Other names: c.1152+7C>T (NM_001271933.2, NM_001440949.1, NM_001440967.1 and 16 more transcripts); c.1074+7C>T (NM_001440972.1, NM_001440952.1, NM_001440987.1 and 17 more transcripts); c.1014+7C>T (NM_001440960.1).
Identifiers: ClinVar variation 4986560 (VCV004986560.1).
Genomic context (GRCh38, chr11:117,371,473, plus strand): 5'-GAGCCAAAGAAGAAGGCTTCTGCTCTGGAAGAGGGCAGTTCAGACGCCAGCCAAGTAAGT[C>T]ACTGTATCCCATAGGCAGGGGTTGGCTGTAGCCCTCTGCTGCTCTGTTCAGCCCTGGGCA-3'

ClinVar aggregate classification (germline): Likely benign (1 of 4 stars; one submission).

Conditions:
CEP164-related disorder. Also called: CEP164-related condition.

gnomAD v4.1: 2 of 1,600,986 alleles (0.00012%); highest among the groups gnomAD compares: Non-Finnish European, 0.00017%; no homozygotes.

Submission:

PreventionGenetics, part of Exact Sciences
Classification: Likely benign for CEP164-related condition. Last evaluated: 2025-03-02. Review status: criteria provided, single submitter. Criteria: ACMG Guidelines, 2015. Collection method: clinical testing. Allele origin: germline.
Comment: This variant is classified as likely benign based on ACMG/AMP sequence variant interpretation guidelines (Richards et al. 2015 PMID: 25741868, with internal and published modifications).